The following is an entry in ClinVar:

NM_004453.4(ETFDH):c.1691-3C>G

Gene: ETFDH (electron transfer flavoprotein dehydrogenase; plus strand). Cytogenetic location: 4q32.1.
Variant type: single nucleotide variant.
Coding change: c.1691-3C>G on transcript NM_004453.4 (MANE Select); 3 bases into the intron before coding-DNA position 1691, C replaced by G.
Molecular consequence: intron variant.
Genome position (GRCh38, 1-based): chr4:158,708,361, C>G. VCF-style: chr4-158708361-C-G. GRCh37 (hg19) VCF-style: chr4-159629513-C-G.
Other names: c.1550-3C>G (NM_001281737.2); c.1508-3C>G (NM_001281738.1); c.1691-3C>G (NM_004453.3).
Identifiers: ClinVar variation 2675122 (VCV002675122.5), dbSNP rs776853600, ClinGen allele CA3122701.

ClinVar aggregate classification (germline): Pathogenic/Likely pathogenic. Review status: criteria provided, multiple submitters, no conflicts (2 of 4 stars). 3 submissions from 3 submitters: Pathogenic (1); Likely pathogenic (2). Last evaluated 2025-03-18.

Conditions:
Glutaric acidemia type 2C.
Multiple acyl-CoA dehydrogenase deficiency (MADD). Also called: ETHYLMALONIC-ADIPICACIDURIA; GA II; Glutaric aciduria, type 2; Glutaric acidemia type II; GA 2; Glutaric Acidemia type 2. Identifiers: Orphanet 26791, MedGen C0268596, MONDO:0009282, OMIM 231680.

Allele frequency attached by ClinVar (database versions not stated): gnomAD exomes below 0.00001; ExAC 0.00001.
gnomAD v4.1: 1 of 1,607,218 alleles (0.000062%); highest among the groups gnomAD compares: Non-Finnish European, 0.000085%; no homozygotes.

Submissions (3):

Natera, Inc.
Classification: Likely pathogenic for Glutaric acidemia type 2C. Last evaluated: 2025-03-18. Review status: criteria provided, single submitter. Criteria: Natera Variant Classification Schema (03/2026). Collection method: clinical testing. Allele origin: germline.
Comment: The c.1691-3C>G variant in ETFDH is an intronic variant located outside the canonical splice sites. This variant is rare in the general population with a frequency below the threshold expected for the associated phenotype(s). This variant has been observed in one or more individuals affected with the associated recessive disease, as either homozygous or compound heterozygous with a second variant (PMID: 34718578, 32005694, 29046209, 24357026, 19758981, 30681493). Computational prediction algorithms indicate this variant is likely to affect gene or protein function. Given the available evidence, this variant is classified as Likely Pathogenic.

Baylor Genetics
Classification: Pathogenic for Multiple acyl-CoA dehydrogenase deficiency. Last evaluated: 2023-03-19. Review status: criteria provided, single submitter. Criteria: ACMG Guidelines, 2015. Collection method: clinical testing. Allele origin: unknown.

Juno Genomics, Hangzhou Juno Genomics, Inc
Classification: Likely pathogenic for Multiple acyl-CoA dehydrogenase deficiency. Review status: criteria provided, single submitter. Criteria: ACMG Guidelines, 2015. Collection method: clinical testing. Allele origin: germline.
Comment: Absent from controls (or at extremely low frequency if recessive) in Genome Aggregation Database.;Multiple lines of computational evidence support a deleterious effect on the gene or gene product.;For recessive disorders, detected in trans with a pathogenic variant.;Patient's phenotype or family history is highly specific for a disease with a single genetic etiology.

Literature cited by the submitters: PubMed 34718578 (cited by Natera, Inc.); PubMed 32005694 (cited by Natera, Inc.); PubMed 29046209 (cited by Natera, Inc.); PubMed 24357026 (cited by Natera, Inc.); PubMed 19758981 (cited by Natera, Inc.); PubMed 30681493 (cited by Natera, Inc.).